The following is an entry in ClinVar:

ClinVar aggregate classification (germline): Uncertain significance (1 of 4 stars; one submission).

Submission:

Labcorp Genetics (formerly Invitae), Labcorp
Classification: Uncertain significance. Last evaluated: 2025-05-05. Review status: criteria provided, single submitter. Criteria: Invitae Variant Classification Sherloc (09022015). Collection method: clinical testing. Allele origin: germline.
Comment: This sequence change replaces valine, which is neutral and non-polar, with leucine, which is neutral and non-polar, at codon 203 of the NKX2-1 protein (p.Val203Leu). This variant is not present in population databases (gnomAD no frequency). This variant has not been reported in the literature in individuals affected with NKX2-1-related conditions. An algorithm developed to predict the effect of missense changes on protein structure and function (PolyPhen-2) suggests that this variant is likely to be disruptive. In summary, the available evidence is currently insufficient to determine the role of this variant in disease. Therefore, it has been classified as a Variant of Uncertain Significance.

NM_001079668.3(NKX2-1):c.607G>T (p.Val203Leu)

Genes: NKX2-1 (NK2 homeobox 1; minus strand), SFTA3 (surfactant associated 3; minus strand). Cytogenetic location: 14q13.3.
Variant type: single nucleotide variant.
Coding change: c.607G>T on transcript NM_001079668.3 (MANE Select); coding-DNA position 607, G replaced by T.
Protein change: p.Val203Leu; replaces valine 203 with leucine.
Molecular consequence: missense variant.
Genome position (GRCh38, 1-based): chr14:36,517,877, C>A on the plus strand (G>T on the coding strand, the complement: NKX2-1 is on the minus strand). VCF-style: chr14-36517877-C-A. GRCh37 (hg19) VCF-style: chr14-36987082-C-A.
Other names: c.517G>T, p.Val173Leu (NM_003317.4); short protein forms V203L, V173L.
Identifiers: ClinVar variation 4719003 (VCV004719003.1).